The following is an entry in ClinVar:

ClinVar aggregate classification (germline): Pathogenic (1 of 4 stars; one submission).

Conditions:
PKD1-related disorder. Also called: PKD1-related condition.

Submission:

PreventionGenetics, part of Exact Sciences
Classification: Pathogenic for PKD1-related condition. Last evaluated: 2026-01-20. Review status: criteria provided, single submitter. Criteria: ACMG Guidelines, 2015. Collection method: clinical testing. Allele origin: germline.
Comment: The PKD1 c.8357_8358delinsC variant is predicted to result in a frameshift and premature protein termination (p.Lys2786Thrfs*89). To our knowledge, this variant has not been reported in the literature or in a large population database (gnomAD), indicating this variant is rare. Frameshift variants in PKD1 are expected to be pathogenic. This variant is interpreted as pathogenic.

NM_001009944.3(PKD1):c.8357_8358delinsC (p.Lys2786fs)

Gene: PKD1 (polycystin 1, transient receptor potential channel interacting; minus strand). Cytogenetic location: 16p13.3.
Variant type: Indel.
Coding change: c.8357_8358delinsC on transcript NM_001009944.3 (MANE Select); coding-DNA positions 8357 to 8358, AG replaced by C.
Protein change: p.Lys2786fs; shifts the reading frame from lysine 2786.
Molecular consequence: frameshift variant.
Genome position (GRCh38, 1-based): chr16:2,103,699-2,103,700, CT replaced by G on the plus strand (AG replaced by C on the coding strand, the reverse complement: PKD1 is on the minus strand). VCF-style: chr16-2103699-CT-G. GRCh37 (hg19) VCF-style: chr16-2153700-CT-G.
Other names: c.8357_8358delinsC, p.Lys2786fs (NM_000296.4); c.8357_8358delAGinsC, p.Lys2786Thrfs (NM_001009944.2); short protein forms K2786fs.
Identifiers: ClinVar variation 4994630 (VCV004994630.1).